The following is an entry in ClinVar:

NM_001278716.2(FBXL4):c.891A>G (p.Leu297=)

Gene: FBXL4 (F-box and leucine rich repeat protein 4; minus strand). Cytogenetic location: 6q16.2.
Variant type: single nucleotide variant.
Coding change: c.891A>G on transcript NM_001278716.2 (MANE Select); coding-DNA position 891, A replaced by G.
Protein change: p.Leu297=; no amino-acid change (leucine 297 retained).
Molecular consequence: synonymous variant. On other transcripts: non-coding transcript variant (2).
Genome position (GRCh38, 1-based): chr6:98,905,638, T>C on the plus strand (A>G on the coding strand, the complement: FBXL4 is on the minus strand). VCF-style: chr6-98905638-T-C. GRCh37 (hg19) VCF-style: chr6-99353514-T-C.
Other names: c.891A>G, p.Leu297= (NM_012160.5).
Identifiers: ClinVar variation 437649 (VCV000437649.1), dbSNP rs776516268, ClinGen allele CA3933590.

ClinVar aggregate classification (germline): Uncertain significance (1 of 4 stars; one submission).

Conditions:
Mitochondrial DNA depletion syndrome 13. Also called: FBXL4-Related Encephalomyopathic Mitochondrial DNA Depletion Syndrome; Mitochondrial DNA depletion syndrome 13 (encephalomyopathic type). Identifiers: Orphanet 369897, MedGen C3809592, MONDO:0014198, OMIM 615471.

Allele frequency attached by ClinVar (database versions not stated): gnomAD exomes below 0.00001 and 0.00002; ExAC 0.00002.
gnomAD v4.1: 6 of 1,613,760 alleles (0.00037%); highest among the groups gnomAD compares: Admixed American, 0.005%; no homozygotes.

Submission:

Wong Mito Lab, Molecular and Human Genetics, Baylor College of Medicine
Classification: Uncertain significance for Mitochondrial DNA depletion syndrome 13. Last evaluated: 2017-08-10. Review status: criteria provided, single submitter. Criteria: ACMG Guidelines, 2015. Collection method: reference population. Allele origin: germline.
Comment: The NM_012160.4:c.891A>G (NP_036292.2:p.Leu297=) [GRCH38: NC_000006.12:g.98905638T>C] variant in FBXL4 gene is interpretated to be a Uncertain Significance - Conflicting Evidence based on ACMG guidelines (PMID: 25741868). This variant meets one or more of the following evidence codes reported in the ACMG-guideline. PM2:This variant is absent in key population databases. BP4:Computational evidence/predictors indicate no impact on the FBXL4 structure, function, or protein-protein interaction. BP7:The variant is silent with non predicted splice impact. Based on this evidence code ClinGen Pathogenicity Calculator (PMID:28081714) suggested that the variant is Uncertain Significance - Conflicting Evidence.